The following is an entry in ClinVar:

ClinVar aggregate classification (germline): Likely pathogenic (1 of 4 stars; one submission).

Conditions:
X-linked Alport syndrome (ATS1). Also called: COL4A5-Related Nephropathy; NEPHROPATHY AND DEAFNESS, X-LINKED. Identifiers: Orphanet 63, Orphanet 88917, MedGen C4746986, MONDO:0010520, OMIM 301050.

Submission:

Myriad Genetics, Inc.
Classification: Likely pathogenic for X-linked Alport syndrome. Last evaluated: 2022-01-17. Review status: criteria provided, single submitter. Criteria: Myriad Women's Health Autosomal Recessive and X-Linked Classification Criteria (2021). Collection method: clinical testing. Allele origin: unknown.
Comment: NM_000495.4(COL4A5):c.272_275del4ins8(I91Tfs*68) is expected to be pathogenic in the context of X-linked Alport syndrome. This variant is predicted to lead to an abnormal or absent protein product due to the creation of a premature termination codon in COL4A5, a gene where loss-of-function variants are known to be pathogenic. Please note: this variant was assessed in the context of healthy population screening.

NM_033380.3(COL4A5):c.272_275delinsCTTTTAAT (p.Ile91fs)

Gene: COL4A5 (collagen type IV alpha 5 chain; plus strand). Cytogenetic location: Xq22.3.
Variant type: Indel.
Coding change: c.272_275delinsCTTTTAAT on transcript NM_033380.3 (MANE Select); coding-DNA positions 272 to 275, TCAG replaced by CTTTTAAT.
Protein change: p.Ile91fs; shifts the reading frame from isoleucine 91.
Molecular consequence: frameshift variant.
Genome position (GRCh38, 1-based): chrX:108,563,922-108,563,925, TCAG replaced by CTTTTAAT. VCF-style: chrX-108563922-TCAG-CTTTTAAT. GRCh37 (hg19) VCF-style: chrX-107807152-TCAG-CTTTTAAT.
Other names: c.272_275delinsCTTTTAAT, p.Ile91fs (NM_000495.5); short protein forms I91fs.
Identifiers: ClinVar variation 1723962 (VCV001723962.2), dbSNP rs2524179769, ClinGen allele CA2580100236.